The following is an entry in ClinVar:

NM_015629.4(PRPF31):c.541_551GAG[3]CTCCGAGGAGGAGCT[1] (p.Glu185fs)

Gene: PRPF31 (pre-mRNA processing factor 31; plus strand). Cytogenetic location: 19q13.42.
Variant type: Microsatellite.
Coding change: c.541_551GAG[3]CTCCGAGGAGGAGCT[1] on transcript NM_015629.4 (MANE Select).
Protein change: p.Glu185fs; shifts the reading frame from glutamic acid 185.
Molecular consequence: frameshift variant.
Genome position: GRCh38 VCF-style: chr19-54123761-G-GGAGGAGGAGCTCC. GRCh37 (hg19) VCF-style: chr19-54627140-G-GGAGGAGGAGCTCC.
Other names: short protein forms E185fs.
Identifiers: ClinVar variation 1065652 (VCV001065652.1), dbSNP rs2146420554.
Genomic context (GRCh38, chr19:54,123,761, plus strand): 5'-ACCAGGCAGGCGGGAGACCCAGGAGGCTGGGCCCACCCGCCCCTGCAGGCAGCAGCTGTC[G>GGAGGAGGAGCTCC]GAGGAGGAGCTGGAGCGGCTGGAGGAGGCCTGCGACATGGCGCTGGAGCTGAACGCCTCC-3'

ClinVar aggregate classification (germline): Likely pathogenic (1 of 4 stars; one submission).

Conditions:
Retinitis pigmentosa 11 (RP11). Identifiers: Orphanet 791, MedGen C1838601, MONDO:0010828, OMIM 600138.

Submission:

Ocular Genomics Institute, Massachusetts Eye and Ear
Classification: Likely pathogenic for Retinitis pigmentosa 11. Last evaluated: 2021-04-08. Review status: criteria provided, single submitter. Criteria: ACMG Guidelines, 2015. Collection method: research. Allele origin: germline. Affected: yes.
Comment: Through a review of available evidence we were able to apply the following criteria: PVS1, PM2. Based on this evidence we have classified this variant as Likely Pathogenic.